The following is an entry in ClinVar:

NC_000016.9:g.(?_89183388)_(89187331_?)del

Gene: ACSF3 (acyl-CoA synthetase family member 3; plus strand). Cytogenetic location: 16q24.3.
Variant type: Deletion.
Identifiers: ClinVar variation 1460177 (VCV001460177.6).

ClinVar aggregate classification (germline): Pathogenic (1 of 4 stars; one submission).

Conditions:
Combined malonic and methylmalonic acidemia. Identifiers: Orphanet 289504, MedGen C3280314, MONDO:0013661, OMIM 614265.

Submission:

Labcorp Genetics (formerly Invitae), Labcorp
Classification: Pathogenic for Combined malonic and methylmalonic acidemia. Last evaluated: 2022-10-21. Review status: criteria provided, single submitter. Criteria: Invitae Variant Classification Sherloc (09022015). Collection method: clinical testing. Allele origin: germline.
Comment: This variant is a gross deletion of the genomic region encompassing exon(s) 7 of the ACSF3 gene. This deletion is out-of-frame, and is expected to create a premature termination codon and result in an absent or disrupted protein product. Loss-of-function variants in ACSF3 are known to be pathogenic (PMID: 21841779, 26827111). This variant has not been reported in the literature in individuals affected with ACSF3-related conditions. For these reasons, this variant has been classified as Pathogenic.

Literature cited by the submitters: PubMed 21841779; PubMed 26827111.